The following is an entry in ClinVar:

ClinVar aggregate classification (germline): Uncertain significance (1 of 4 stars; one submission).

Conditions:
Hereditary pheochromocytoma and paraganglioma. Also called: Hereditary Paraganglioma-Pheochromocytoma Syndromes; Hereditary pheochromocytoma-paraganglioma; Hereditary paragangliomas and pheochromocytomas. Identifiers: Orphanet 29072, MedGen C4274332, MONDO:0017366.

Submission:

Labcorp Genetics (formerly Invitae), Labcorp
Classification: Uncertain significance for Hereditary pheochromocytoma and paraganglioma. Last evaluated: 2022-11-15. Review status: criteria provided, single submitter. Criteria: Invitae Variant Classification Sherloc (09022015). Collection method: clinical testing. Allele origin: germline.
Comment: This sequence change replaces glutamic acid, which is acidic and polar, with glutamine, which is neutral and polar, at codon 111 of the SDHAF2 protein (p.Glu111Gln). In summary, the available evidence is currently insufficient to determine the role of this variant in disease. Therefore, it has been classified as a Variant of Uncertain Significance. Algorithms developed to predict the effect of missense changes on protein structure and function are either unavailable or do not agree on the potential impact of this missense change (SIFT: "Tolerated"; PolyPhen-2: "Possibly Damaging"; Align-GVGD: "Class C0"). This variant has not been reported in the literature in individuals affected with SDHAF2-related conditions. This variant is not present in population databases (gnomAD no frequency).

NM_017841.4(SDHAF2):c.331G>C (p.Glu111Gln)

Gene: SDHAF2 (succinate dehydrogenase complex assembly factor 2; plus strand). Cytogenetic location: 11q12.2.
Variant type: single nucleotide variant.
Coding change: c.331G>C on transcript NM_017841.4 (MANE Select); coding-DNA position 331, G replaced by C.
Protein change: p.Glu111Gln; replaces glutamic acid 111 with glutamine.
Molecular consequence: missense variant.
Genome position (GRCh38, 1-based): chr11:61,438,074, G>C. VCF-style: chr11-61438074-G-C. GRCh37 (hg19) VCF-style: chr11-61205546-G-C.
Other names: short protein forms E111Q.
Identifiers: ClinVar variation 2814416 (VCV002814416.3), dbSNP rs145616631, ClinGen allele CA380684166.